The following is an entry in ClinVar:

ClinVar aggregate classification (somatic clinical impact): Tier II - Potential (1 of 4 stars; one submission).

Conditions:
Medulloblastoma WNT activated. Identifiers: MedGen C4331965, MONDO:0850196.

Submission:

Institute for Genomic Medicine (IGM) Clinical Laboratory, Nationwide Children's Hospital
Classification: Tier II - Potential for Medulloblastoma WNT activated. Assertion type: diagnostic. Clinical significance: supports diagnosis. Last evaluated: 2024-07-17. Review status: criteria provided, single submitter. Criteria: AMP/ASCO/CAP Guidelines, 2017. Collection method: clinical testing. Allele origin: somatic. Affected: yes.
Comment: Variant has Tier II (potential) clinical significance as a diagnostic inclusion criterion in medulloblastoma WNT activated, based on the following evidence: 1) Documented in one or more cancer databases (e.g., St. Jude Pecan, COSMIC, CIViC, OncoKB). 2) Diagnostic significance based on multiple small studies (Evidence Level C; PMIDs: 28726821, 33502920).

Literature cited by the submitters: PubMed 28726821; PubMed 33502920.

NM_001349798.2(FBXW7):c.1394G>T (p.Arg465Leu)

Gene: FBXW7 (F-box and WD repeat domain containing 7; minus strand). Cytogenetic location: 4q31.3.
Variant type: single nucleotide variant.
Coding change: c.1394G>T on transcript NM_001349798.2 (MANE Select); coding-DNA position 1394, G replaced by T.
Protein change: p.Arg465Leu; replaces arginine 465 with leucine.
Molecular consequence: missense variant.
Genome position (GRCh38, 1-based): chr4:152,328,232, C>A on the plus strand (G>T on the coding strand, the complement: FBXW7 is on the minus strand). VCF-style: chr4-152328232-C-A. GRCh37 (hg19) VCF-style: chr4-153249384-C-A.
Other names: c.1040G>T, p.Arg347Leu (LRG_1141t3, NM_001013415.2); c.1154G>T, p.Arg385Leu (LRG_1141t2, NM_018315.5); c.1394G>T, p.Arg465Leu (LRG_1141t1, NM_033632.3); short protein forms R465L, R347L, R385L.
Identifiers: ClinVar variation 4530542 (VCV004530542.1), dbSNP rs1057519895.
Genomic context (GRCh38, chr4:152,328,232, plus strand): 5'-GGAAGAAGTCCCAACCATGACAAGATTTTCCCTTACCTTTTTTCATGAAGATGCATACAA[C>A]GCACAGTGGAAGTATGCCCATATAAGGTGTGTATACATTCTCCAGTCTCTGCATTCCACA-3'
Protein context (NP_001336727.1, residues 455-475): HTLYGHTSTV[Arg465Leu]CMHLHEKRVV